The following is an entry in ClinVar:

NM_001006658.3(CR2):c.622C>G (p.Pro208Ala)

Gene: CR2 (complement C3d receptor 2; plus strand). Cytogenetic location: 1q32.2.
Variant type: single nucleotide variant.
Coding change: c.622C>G on transcript NM_001006658.3 (MANE Select); coding-DNA position 622, C replaced by G.
Protein change: p.Pro208Ala; replaces proline 208 with alanine.
Molecular consequence: missense variant.
Genome position (GRCh38, 1-based): chr1:207,468,703, C>G. VCF-style: chr1-207468703-C-G. GRCh37 (hg19) VCF-style: chr1-207642048-C-G.
Other names: c.622C>G, p.Pro208Ala (NM_001877.5); short protein forms P208A.
Identifiers: ClinVar variation 937446 (VCV000937446.8), dbSNP rs769415969, ClinGen allele CA1368475.

ClinVar aggregate classification (germline): Uncertain significance. Review status: criteria provided, multiple submitters, no conflicts (2 of 4 stars). 4 submissions from 4 submitters: Uncertain significance (4). Last evaluated 2026-07-31.

Conditions:
Inborn genetic diseases. Identifiers: MedGen C0950123, MeSH D030342.
CR2-related disorder. Also called: CR2-related condition; CR2-related disorders.
Immunodeficiency, common variable, 7. Identifiers: Orphanet 1572, Orphanet 696894, MedGen C3542922, MONDO:0013862, OMIM 614699.

Allele frequency attached by ClinVar (database versions not stated): TOPMed 0.00008.
gnomAD v4.1: 33 of 1,613,872 alleles (0.002%); highest among the groups gnomAD compares: African/African-American, 0.012%; no homozygotes.

Submissions (4):

PreventionGenetics, part of Exact Sciences
Classification: Uncertain significance for CR2-related condition. Last evaluated: 2026-07-31. Review status: criteria provided, single submitter. Criteria: ACMG Guidelines, 2015. Collection method: clinical testing. Allele origin: germline.
Comment: The CR2 c.622C>G variant is predicted to result in the amino acid substitution p.Pro208Ala. To our knowledge, this variant has not been reported in the literature. This variant is reported in 0.020% of alleles in individuals of African descent in gnomAD. At this time, the clinical significance of this variant is uncertain due to the absence of conclusive functional and genetic evidence.

Ambry Genetics
Classification: Uncertain significance for Inborn genetic diseases. Last evaluated: 2024-05-29. Review status: criteria provided, single submitter. Criteria: Ambry Variant Classification Scheme 2023. Collection method: clinical testing. Allele origin: germline.

Labcorp Genetics (formerly Invitae), Labcorp
Classification: Uncertain significance for Immunodeficiency, common variable, 7. Last evaluated: 2022-10-04. Review status: criteria provided, single submitter. Criteria: Invitae Variant Classification Sherloc (09022015). Collection method: clinical testing. Allele origin: germline.
Comment: This sequence change replaces proline, which is neutral and non-polar, with alanine, which is neutral and non-polar, at codon 208 of the CR2 protein (p.Pro208Ala). This variant is present in population databases (rs769415969, gnomAD 0.02%). This variant has not been reported in the literature in individuals affected with CR2-related conditions. ClinVar contains an entry for this variant (Variation ID: 937446). Algorithms developed to predict the effect of missense changes on protein structure and function are either unavailable or do not agree on the potential impact of this missense change (SIFT: "Tolerated"; PolyPhen-2: "Probably Damaging"; Align-GVGD: "Class C0"). In summary, the available evidence is currently insufficient to determine the role of this variant in disease. Therefore, it has been classified as a Variant of Uncertain Significance.

Blueprint Genetics
Classification: Uncertain significance. Last evaluated: 2021-02-22. Review status: criteria provided, single submitter. Criteria: ACMG Guidelines, 2015. Collection method: clinical testing. Allele origin: germline.